The following is an entry in ClinVar:

ClinVar aggregate classification (germline): Uncertain significance (1 of 4 stars; one submission).

Conditions:
Combined immunodeficiency due to LRBA deficiency. Also called: Common variable immunodeficiency 8, with autoimmunity. Identifiers: Orphanet 445018, MedGen C3553512, MONDO:0013863, OMIM 614700.

Submission:

Labcorp Genetics (formerly Invitae), Labcorp
Classification: Uncertain significance for Combined immunodeficiency due to LRBA deficiency. Last evaluated: 2024-10-16. Review status: criteria provided, single submitter. Criteria: Invitae Variant Classification Sherloc (09022015). Collection method: clinical testing. Allele origin: germline.
Comment: This sequence change replaces isoleucine, which is neutral and non-polar, with threonine, which is neutral and polar, at codon 995 of the LRBA protein (p.Ile995Thr). This variant is not present in population databases (gnomAD no frequency). This variant has not been reported in the literature in individuals affected with LRBA-related conditions. ClinVar contains an entry for this variant (Variation ID: 2006964). Invitae Evidence Modeling of protein sequence and biophysical properties (such as structural, functional, and spatial information, amino acid conservation, physicochemical variation, residue mobility, and thermodynamic stability) indicates that this missense variant is not expected to disrupt LRBA protein function with a negative predictive value of 80%. In summary, the available evidence is currently insufficient to determine the role of this variant in disease. Therefore, it has been classified as a Variant of Uncertain Significance.

NM_001364905.1(LRBA):c.2984T>C (p.Ile995Thr)

Gene: LRBA (LPS responsive beige-like anchor protein; minus strand). Cytogenetic location: 4q31.3.
Variant type: single nucleotide variant.
Coding change: c.2984T>C on transcript NM_001364905.1 (MANE Select); coding-DNA position 2984, T replaced by C.
Protein change: p.Ile995Thr; replaces isoleucine 995 with threonine.
Molecular consequence: missense variant.
Genome position (GRCh38, 1-based): chr4:150,852,726, A>G on the plus strand (T>C on the coding strand, the complement: LRBA is on the minus strand). VCF-style: chr4-150852726-A-G. GRCh37 (hg19) VCF-style: chr4-151773878-A-G.
Other names: c.2984T>C, p.Ile995Thr (NM_006726.5, NM_001199282.3, NM_001367550.1); short protein forms I995T.
Identifiers: ClinVar variation 2006964 (VCV002006964.4), dbSNP rs2546502062, ClinGen allele CA358460066.